The following is an entry in ClinVar:

NM_001723.7(DST):c.6234T>C (p.His2078=)

Gene: DST (dystonin; minus strand). Cytogenetic location: 6p12.1.
Variant type: single nucleotide variant.
Coding change: c.6234T>C on transcript NM_001723.7 (MANE Plus Clinical); coding-DNA position 6234, T replaced by C.
Protein change: p.His2078=; no amino-acid change (histidine 2078 retained).
Molecular consequence: synonymous variant. On other transcripts: intron variant (10).
Genome position (GRCh38, 1-based): chr6:56,617,233, A>G on the plus strand (T>C on the coding strand, the complement: DST is on the minus strand). VCF-style: chr6-56617233-A-G. GRCh37 (hg19) VCF-style: chr6-56482031-A-G.
Other names: c.4297-2749T>C (NM_001374729.1, NM_001374730.1, NM_001386100.1 and 1 more transcripts); c.3319-2749T>C (NM_015548.5); c.4831-2749T>C (NM_001144769.5); c.4930-2749T>C (NM_001374722.1, NM_001374736.1); c.4957-2749T>C (NM_001374734.1); c.4417-2749T>C (NM_001144770.2); c.6234T>C (NM_001723.5).
Identifiers: ClinVar variation 1584744 (VCV001584744.9), dbSNP rs766566492, ClinGen allele CA3870206.

ClinVar aggregate classification (germline): Likely benign. Review status: criteria provided, multiple submitters, no conflicts (2 of 4 stars). 2 submissions from 2 submitters: Likely benign (2). Last evaluated 2026-01-25.

Conditions:
DST-related disorder. Also called: DST-related disorders; DST-related condition.
Epidermolysis bullosa simplex 3, localized or generalized intermediate, with BP230 deficiency (EBS3). Also called: Epidermolysis bullosa simplex, autosomal recessive 2; Epidermolysis bullosa simplex due to BP230 deficiency. Identifiers: Orphanet 412181, MedGen C3809470, MONDO:0014180, OMIM 615425.
Hereditary sensory and autonomic neuropathy type 6. Also called: HSAN VI; Neuropathy, hereditary sensory and autonomic, type VI. Identifiers: Orphanet 314381, MedGen C3539003, MONDO:0013839, OMIM 614653.

Allele frequency attached by ClinVar (database versions not stated): gnomAD exomes 0.00002; TOPMed 0.00002; ExAC 0.00003; gnomAD 0.00003.
gnomAD v4.1: 28 of 1,606,932 alleles (0.0017%); highest among the groups gnomAD compares: Non-Finnish European, 0.0024%; no homozygotes.

Submissions (2):

Labcorp Genetics (formerly Invitae), Labcorp
Classification: Likely benign for Epidermolysis bullosa simplex 3, localized or generalized intermediate, with BP230 deficiency; Hereditary sensory and autonomic neuropathy type 6. Last evaluated: 2026-01-25. Review status: criteria provided, single submitter. Criteria: Invitae Variant Classification Sherloc (09022015). Collection method: clinical testing. Allele origin: germline.

PreventionGenetics, part of Exact Sciences
Classification: Likely benign for DST-related condition. Last evaluated: 2026-01-13. Review status: criteria provided, single submitter. Criteria: ACMG Guidelines, 2015. Collection method: clinical testing. Allele origin: germline.
Comment: This variant is classified as likely benign based on ACMG/AMP sequence variant interpretation guidelines (Richards et al. 2015 PMID: 25741868, with internal and published modifications).